The following is an entry in ClinVar:

ClinVar aggregate classification (germline): Uncertain significance (1 of 4 stars; one submission).

Conditions:
Familial sleep-related hypermotor epilepsy. Also called: Autosomal Dominant Sleep-Related Hypermotor (Hyperkinetic) Epilepsy. Identifiers: Orphanet 98784, MedGen C3696898, MONDO:0000030.

Allele frequency attached by ClinVar (database versions not stated): TOPMed 0.00008.
gnomAD v4.1: 6 of 1,613,000 alleles (0.00037%); highest among the groups gnomAD compares: African/African-American, 0.008%; no homozygotes.

Submission:

Labcorp Genetics (formerly Invitae), Labcorp
Classification: Uncertain significance for Familial sleep-related hypermotor epilepsy. Last evaluated: 2019-06-12. Review status: criteria provided, single submitter. Criteria: Invitae Variant Classification Sherloc (09022015). Collection method: clinical testing. Allele origin: germline.
Comment: This variant is not present in population databases (ExAC no frequency). This variant has not been reported in the literature in individuals with PRIMA1-related conditions. Algorithms developed to predict the effect of missense changes on protein structure and function are either unavailable or do not agree on the potential impact of this missense change (SIFT: "Tolerated"; PolyPhen-2: "Probably Damaging"; Align-GVGD: "Class C0"). In summary, the available evidence is currently insufficient to determine the role of this variant in disease. Therefore, it has been classified as a Variant of Uncertain Significance. This sequence change replaces aspartic acid with glutamic acid at codon 147 of the PRIMA1 protein (p.Asp147Glu). The aspartic acid residue is moderately conserved and there is a small physicochemical difference between aspartic acid and glutamic acid.

NM_178013.4(PRIMA1):c.441C>A (p.Asp147Glu)

Gene: PRIMA1 (proline rich membrane anchor 1; minus strand). Cytogenetic location: 14q32.12.
Variant type: single nucleotide variant.
Coding change: c.441C>A on transcript NM_178013.4 (MANE Select); coding-DNA position 441, C replaced by A.
Protein change: p.Asp147Glu; replaces aspartic acid 147 with glutamic acid.
Molecular consequence: missense variant.
Genome position (GRCh38, 1-based): chr14:93,721,465, G>T on the plus strand (C>A on the coding strand, the complement: PRIMA1 is on the minus strand). VCF-style: chr14-93721465-G-T. GRCh37 (hg19) VCF-style: chr14-94187811-G-T.
Other names: short protein forms D147E.
Identifiers: ClinVar variation 941756 (VCV000941756.9), dbSNP rs966498472, ClinGen allele CA265791110.
Genomic context (GRCh38, chr14:93,721,465, plus strand): 5'-AAGGTGTCCCTCTGGCCAGCGGGTCCAGGGCCTGCAGACTCACACCACTGCGTTGTTCAC[G>T]TCTACTCCTTTGTTGCTCTGCGAAGCACTCATGGGATACTCAGCAACGCTGGTGCCATTT-3'
Protein context (NP_821092.1, residues 137-153): MSASQSNKGV[Asp147Glu]VNNAVV